The following is an entry in ClinVar:

NM_017654.4(SAMD9):c.1763A>C (p.Asp588Ala)

Gene: SAMD9 (sterile alpha motif domain containing 9; minus strand). Cytogenetic location: 7q21.2.
Variant type: single nucleotide variant.
Coding change: c.1763A>C on transcript NM_017654.4 (MANE Select); coding-DNA position 1763, A replaced by C.
Protein change: p.Asp588Ala; replaces aspartic acid 588 with alanine.
Molecular consequence: missense variant.
Genome position (GRCh38, 1-based): chr7:93,104,335, T>G on the plus strand (A>C on the coding strand, the complement: SAMD9 is on the minus strand). VCF-style: chr7-93104335-T-G. GRCh37 (hg19) VCF-style: chr7-92733648-T-G.
Other names: c.1763A>C, p.Asp588Ala (NM_001193307.2); short protein forms D588A.
Identifiers: ClinVar variation 3791989 (VCV003791989.1).

ClinVar aggregate classification (germline): Uncertain significance (1 of 4 stars; one submission).

Conditions:
Inborn genetic diseases. Identifiers: MedGen C0950123, MeSH D030342.

Submission:

Ambry Genetics
Classification: Uncertain significance for Inborn genetic diseases. Last evaluated: 2025-01-09. Review status: criteria provided, single submitter. Criteria: Ambry Variant Classification Scheme 2023. Collection method: clinical testing. Allele origin: germline.
Comment: The p.D588A variant (also known as c.1763A>C), located in coding exon 1 of the SAMD9 gene, results from an A to C substitution at nucleotide position 1763. The aspartic acid at codon 588 is replaced by alanine, an amino acid with dissimilar properties. This amino acid position is conserved. In addition, this alteration is predicted to be tolerated by in silico analysis. Based on the available evidence, the clinical significance of this variant remains unclear.